The following is an entry in ClinVar:

ClinVar aggregate classification (germline): Likely benign (1 of 4 stars; one submission).

Allele frequency attached by ClinVar (database versions not stated): ESP Exome Variant Server 0.00008; 1000 Genomes Project 30x 0.00016; 1000 Genomes Project 0.00020.
gnomAD v4.1: 212 of 1,605,680 alleles (0.013%); highest among the groups gnomAD compares: Middle Eastern, 0.05%; 1 homozygote.

Submission:

CeGaT Center for Human Genetics Tuebingen
Classification: Likely benign. Last evaluated: 2023-03-01. Review status: criteria provided, single submitter. Criteria: CeGaT Center For Human Genetics Tuebingen Variant Classification Criteria Version 2. Collection method: clinical testing. Allele origin: germline. Affected: yes. Observed: 2 variant alleles.
Comment: CLCNKA: BP4, BP7

NM_004070.4(CLCNKA):c.1389C>A (p.Pro463=)

Genes: CLCNKA (chloride voltage-gated channel Ka; plus strand), LOC106501712 (CLCNKA recombination region; plus strand). Cytogenetic location: 1p36.13.
Variant type: single nucleotide variant.
Coding change: c.1389C>A on transcript NM_004070.4 (MANE Select); coding-DNA position 1389, C replaced by A.
Protein change: p.Pro463=; no amino-acid change (proline 463 retained).
Molecular consequence: synonymous variant.
Genome position (GRCh38, 1-based): chr1:16,030,056, C>A. VCF-style: chr1-16030056-C-A. GRCh37 (hg19) VCF-style: chr1-16356551-C-A.
Other names: c.1389C>A, p.Pro463= (NM_001042704.2); c.1260C>A, p.Pro420= (NM_001257139.2).
Identifiers: ClinVar variation 2638355 (VCV002638355.24), dbSNP rs141107527, ClinGen allele CA622752.